The following is an entry in ClinVar:

ClinVar aggregate classification (germline): Likely benign. Review status: criteria provided, single submitter (1 of 4 stars). 2 submissions from 2 submitters: Likely benign (1). 1 of the submissions does not count toward it. Last evaluated 2025-10-16.

Conditions:
DZIP1L-related disorder. Also called: DZIP1L-related condition.

Allele frequency attached by ClinVar (database versions not stated): 1000 Genomes Project 30x 0.00031; 1000 Genomes Project 0.00040; ESP Exome Variant Server 0.00046.
gnomAD v4.1: 150 of 1,537,508 alleles (0.0098%); highest among the groups gnomAD compares: African/African-American, 0.16%; 1 homozygote.

Submissions (2):

Labcorp Genetics (formerly Invitae), Labcorp
Classification: Likely benign. Last evaluated: 2025-10-16. Review status: criteria provided, single submitter. Criteria: Invitae Variant Classification Sherloc (09022015). Collection method: clinical testing. Allele origin: germline.

PreventionGenetics, part of Exact Sciences
Classification: Likely benign for DZIP1L-related condition. Last evaluated: 2020-08-19. Review status: no assertion criteria provided. Collection method: clinical testing. Allele origin: germline. Not counted in ClinVar's aggregate classification.
Comment: This variant is classified as likely benign based on ACMG/AMP sequence variant interpretation guidelines (Richards et al. 2015 PMID: 25741868, with internal and published modifications).

NM_173543.3(DZIP1L):c.1833-7G>A

Gene: DZIP1L (DAZ interacting zinc finger protein 1 like; minus strand). Cytogenetic location: 3q22.3.
Variant type: single nucleotide variant.
Coding change: c.1833-7G>A on transcript NM_173543.3 (MANE Select); 7 bases into the intron before coding-DNA position 1833, G replaced by A.
Molecular consequence: intron variant.
Genome position (GRCh38, 1-based): chr3:138,067,707, C>T on the plus strand (G>A on the coding strand, the complement: DZIP1L is on the minus strand). VCF-style: chr3-138067707-C-T. GRCh37 (hg19) VCF-style: chr3-137786549-C-T.
Other names: c.1833-7G>A (NM_173543.2).
Identifiers: ClinVar variation 2180314 (VCV002180314.6), dbSNP rs200767809, ClinGen allele CA2634760.